The following is an entry in ClinVar:

GRCh38/hg38 18p11.31-11.23(chr18:6926855-8080359)x3

Genes: LAMA1 (laminin subunit alpha 1; minus strand), LINC00668 (long intergenic non-protein coding RNA 668; minus strand), LRRC30 (leucine rich repeat containing 30; plus strand), PTPRM (protein tyrosine phosphatase receptor type M; plus strand), LOC101927188 (uncharacterized LOC101927188; plus strand) and 8 more. Cytogenetic location: 18p11.31-11.23.
Variant type: copy number gain.
Change: copy number 3 (three copies instead of two) of chr18:6,926,855-8,080,359 (1.15 Mb, GRCh38 coordinates, 1-based), cytogenetic band 18p11.31-11.23.
Identifiers: ClinVar variation 4852041 (VCV004852041.1).

ClinVar aggregate classification (germline): Uncertain significance (1 of 4 stars; one submission).

Submission:

Clinical Genomics Laboratory, Laboratory for Precision Diagnostics, University of Washington
Classification: Uncertain significance. Last evaluated: 2022-06-09. Review status: criteria provided, single submitter. Criteria: ACMG/ClinGen CNV Guidelines, 2019. Collection method: clinical testing. Allele origin: unknown. Affected: yes. Observed: 1 variant allele.
Comment: The classification of this duplication is uncertain, per ACMGG interpretation standards. It affects protein-coding elements (Section 1, 0 points) but doesn’t overlap any known dosage sensitive genes or regions (Section 2, 0 points). Three protein-coding genes are affected by the duplication (Section 3, 0 points). ClinVar has 11 similar duplications with a variety of classifications: Benign (1), Likely Benign (3) and variant of uncertain significance (7). DECIPHER contains 13 patients with a similar duplication, but only two unrelated patients include enough details to be informative: 269434 and 255610 each inherited the duplication from a normal parent (Section 4K, -0.3 points). The duplication was maternally inherited, and "The apparently healthy mother upon a closer evaluation revealed some mild clinical features of the son, such as partially hearing loss and mild micrognathia. She had a normal head size and her performance at school was within the normal range." PMID: 31461790 describe three fetuses with duplications in this region, though all had breakpoints different than seen in this person and none fully encompassed LAMA1. PMID: 25830323 looked for maternal chromosome 18 copy number variants in three women whose prenatal cell-free DNA screen was shown to be a false positive for trisomy 18 after normal fetal diagnostic testing. Patient 1 had a 1.15 Mb duplication of 18p11.31p11.23 nearly identical to the duplication found here (GRCh38 chr18:6,935,599-8,087,854). The fetus had inherited the duplication. A similar duplication appears at low frequency in both the Database of Genomic Variants (nsv1064849 seen in 1 of 29,084 people) and gnomAD (DUP_18_45227 seen in 2 of 21,694 alleles) (Section 4O, -0.01 points). Parental testing has not been done (Section 5, 0 points).

Literature cited by the submitters: PubMed 27980677; PubMed 31461790; PubMed 25830323.